The following is an entry in ClinVar:

ClinVar aggregate classification (germline): Conflicting classifications of pathogenicity. Review status: criteria provided, conflicting classifications (1 of 4 stars). 2 submissions from 2 submitters: Uncertain significance (1); Likely benign (1). Last evaluated 2024-09-04.

Conditions:
Familial hypercholesterolemia. Also called: Familial hypercholesterolemias; Familial hypercholesterolaemia. Identifiers: MedGen C0020445, MONDO:0005439.
Hypercholesterolemia, autosomal dominant, 3 (FHCL3). Also called: Familial hypercholesterolemia 3; Familial Hypercholesterolemia, Autosomal Dominant, 3; PCSK9-Related Familial Hypercholesterolemia, Autosomal Dominant. Identifiers: MedGen C1863551, MONDO:0011369, OMIM 603776.

Allele frequency attached by ClinVar (database versions not stated): gnomAD below 0.00001 and 0.00001; gnomAD exomes below 0.00001 and 0.00001; TOPMed below 0.00001.
gnomAD v4.1: 13 of 1,613,756 alleles (0.00081%); highest among the groups gnomAD compares: South Asian, 0.0011%; no homozygotes.

Submissions (2):

Color Diagnostics, LLC DBA Color Health
Classification: Uncertain significance for Familial hypercholesterolemia. Last evaluated: 2024-09-04. Review status: criteria provided, single submitter. Criteria: ACMG Guidelines, 2015. Collection method: clinical testing. Allele origin: germline.
Comment: This missense variant replaces methionine with threonine at codon 201 of the PCSK9 protein. Computational prediction tools indicate that this variant has a neutral impact on protein structure and function. To our knowledge, functional studies have not been reported for this variant. This variant has not been reported in individuals affected with PCSK9-related disorders in the literature. This variant has been identified in 1/251348 chromosomes in the general population by the Genome Aggregation Database (gnomAD). The available evidence is insufficient to determine the role of this variant in disease conclusively. Therefore, this variant is classified as a Variant of Uncertain Significance.

All of Us Research Program, National Institutes of Health
Classification: Likely benign for Hypercholesterolemia, autosomal dominant, 3. Last evaluated: 2024-07-20. Review status: criteria provided, single submitter. Criteria: ACMG Guidelines, 2015. Collection method: clinical testing. Allele origin: germline. Inheritance: Autosomal dominant inheritance. Observed: 1 variant allele, 1 heterozygote.
Comment: This study involves interpretation of variants in research participants for the purpose of population health screening. Participant phenotype was not available at the time of variant classification. Additional details can be found in publication PMID: 35346344, PMCID: PMC8962531

NM_174936.4(PCSK9):c.602T>C (p.Met201Thr)

Gene: PCSK9 (proprotein convertase subtilisin/kexin type 9; plus strand). Cytogenetic location: 1p32.3.
Variant type: single nucleotide variant.
Coding change: c.602T>C on transcript NM_174936.4 (MANE Select); coding-DNA position 602, T replaced by C.
Protein change: p.Met201Thr; replaces methionine 201 with threonine.
Molecular consequence: missense variant.
Genome position (GRCh38, 1-based): chr1:55,052,356, T>C. VCF-style: chr1-55052356-T-C. GRCh37 (hg19) VCF-style: chr1-55518029-T-C.
Other names: c.725T>C, p.Met242Thr (NM_001407240.1); c.602T>C, p.Met201Thr (NM_001407241.1, NM_001407242.1, NM_001407244.1 and 1 more transcripts); c.545T>C, p.Met182Thr (NM_001407243.1); c.410T>C, p.Met137Thr (NM_001407245.1); c.227T>C, p.Met76Thr (NM_001407246.1); short protein forms M201T, M242T, M137T, M182T, M76T.
Identifiers: ClinVar variation 923626 (VCV000923626.5), dbSNP rs1254535640, ClinGen allele CA340473392.
Genomic context (GRCh38, chr1:55,052,356, plus strand): 5'-AGGTGTATCTCCTAGACACCAGCATACAGAGTGACCACCGGGAAATCGAGGGCAGGGTCA[T>C]GGTCACCGACTTCGAGAATGTGCCCGAGGAGGACGGGACCCGCTTCCACAGACAGGTAAG-3'
Protein context (NP_777596.2, residues 191-211): SDHREIEGRV[Met201Thr]VTDFENVPEE